The following is an entry in ClinVar:

ClinVar aggregate classification (germline): Conflicting classifications of pathogenicity. Review status: criteria provided, conflicting classifications (1 of 4 stars). 7 submissions from 7 submitters: Uncertain significance (5); Likely benign (1). 1 of the submissions does not count toward it. Last evaluated 2026-02-01.

Conditions:
Hereditary cancer-predisposing syndrome. Also called: Hereditary neoplastic syndrome; Tumor predisposition; Hereditary Cancer Syndrome; Neoplastic Syndromes, Hereditary. Identifiers: Orphanet 140162, MedGen C0027672, MeSH D009386, MONDO:0015356.
Neuroblastoma, susceptibility to, 3. Also called: ALK-Related Neuroblastic Tumor Susceptibility. Identifiers: Orphanet 635, MedGen C2751681, MONDO:0013083, OMIM 613014.
ALK-related disorder. Also called: ALK-related condition.

Allele frequency attached by ClinVar (database versions not stated): TOPMed 0.00003.
gnomAD v4.1: 68 of 1,613,914 alleles (0.0042%); highest among the groups gnomAD compares: Admixed American, 0.022%; 1 homozygote.

Submissions (7):

Labcorp Genetics (formerly Invitae), Labcorp
Classification: Uncertain significance for Neuroblastoma, susceptibility to, 3. Last evaluated: 2026-02-01. Review status: criteria provided, single submitter. Criteria: Invitae Variant Classification Sherloc (09022015). Collection method: clinical testing. Allele origin: germline.
Comment: This sequence change replaces arginine, which is basic and polar, with glutamine, which is neutral and polar, at codon 261 of the ALK protein (p.Arg261Gln). This variant is present in population databases (rs375097381, gnomAD 0.02%). This variant has not been reported in the literature in individuals affected with ALK-related conditions. ClinVar contains an entry for this variant (Variation ID: 404364). An algorithm developed to predict the effect of missense changes on protein structure and function (PolyPhen-2) suggests that this variant is likely to be tolerated. In summary, the available evidence is currently insufficient to determine the role of this variant in disease. Therefore, it has been classified as a Variant of Uncertain Significance.

Dasa
Classification: Uncertain significance. Last evaluated: 2025-03-26. Review status: criteria provided, single submitter. Criteria: DASA Assertion Criteria. Collection method: clinical testing. Allele origin: germline.
Comment: NM_004304.5(ALK):c.782G>A (p.Arg261Gln) is a missense variant that results in the substitution of arginine with glutamine. This variant is rare in population databases. Computational prediction algorithms are consistent with a benign effect. The currently available literature and clinical evidence are not sufficient to establish a definitive association between this variant and the reported condition. Therefore, this variant is classified as a variant of uncertain significance.

Ambry Genetics
Classification: Likely benign for Hereditary cancer-predisposing syndrome. Last evaluated: 2024-08-20. Review status: criteria provided, single submitter. Criteria: Ambry Variant Classification Scheme 2023. Collection method: clinical testing. Allele origin: germline.

Fulgent Genetics
Classification: Uncertain significance for Neuroblastoma, susceptibility to, 3. Last evaluated: 2024-06-22. Review status: criteria provided, single submitter. Criteria: ACMG Guidelines, 2015. Collection method: clinical testing. Allele origin: germline.

GeneDx
Classification: Uncertain significance. Last evaluated: 2023-11-21. Review status: criteria provided, single submitter. Criteria: GeneDx Variant Classification Process June 2021. Collection method: clinical testing. Allele origin: germline.
Comment: In silico analysis supports that this missense variant does not alter protein structure/function; Has not been previously published as pathogenic or benign to our knowledge

PreventionGenetics, part of Exact Sciences
Classification: Uncertain significance for ALK-related condition. Last evaluated: 2022-09-23. Review status: criteria provided, single submitter. Criteria: ACMG Guidelines, 2015. Collection method: clinical testing. Allele origin: germline.
Comment: The ALK c.782G>A variant is predicted to result in the amino acid substitution p.Arg261Gln. To our knowledge, this variant has not been reported in the literature. This variant is reported in 0.016% of alleles in individuals of South Asian descent in gnomAD and interpreted as uncertain in ClinVar. At this time, the clinical significance of this variant is uncertain due to the absence of conclusive functional and genetic evidence.

Genetic Services Laboratory, University of Chicago
Classification: Uncertain significance. Last evaluated: 2022-07-12. Review status: no assertion criteria provided. Collection method: clinical testing. Allele origin: germline. Affected: no. Not counted in ClinVar's aggregate classification.
Comment: DNA sequence analysis of the ALK gene demonstrated a sequence change, c.782G>A, in exon 2 that results in an amino acid change, p.Arg261Gln. This sequence change does not appear to have been previously described in individuals with ALK-related disorders. This sequence change has been described in the gnomAD database with a frequency of 0.016% in the South Asian subpopulation and 0.0046% in the overall population (dbSNP rs375097381). The p.Arg261Gln change affects a moderately conserved amino acid residue located in a domain of the ALK protein that is known to be functional. In-silico pathogenicity prediction tools (SIFT, PolyPhen2, Align GVGD, REVEL) provide contradictory results for the p.Arg261Gln substitution. Due to insufficient evidences and the lack of functional studies, the clinical significance of the p.Arg261Gln change remains unknown at this time.

NM_004304.5(ALK):c.782G>A (p.Arg261Gln)

Gene: ALK (ALK receptor tyrosine kinase; minus strand). Cytogenetic location: 2p23.2.
Variant type: single nucleotide variant.
Coding change: c.782G>A on transcript NM_004304.5 (MANE Select); coding-DNA position 782, G replaced by A.
Protein change: p.Arg261Gln; replaces arginine 261 with glutamine.
Molecular consequence: missense variant.
Genome position (GRCh38, 1-based): chr2:29,717,583, C>T on the plus strand (G>A on the coding strand, the complement: ALK is on the minus strand). VCF-style: chr2-29717583-C-T. GRCh37 (hg19) VCF-style: chr2-29940449-C-T.
Other names: c.782G>A (NM_004304.3); short protein forms R261Q.
Identifiers: ClinVar variation 404364 (VCV000404364.18), dbSNP rs375097381, ClinGen allele CA1594870.